The following is an entry in ClinVar:

NM_000368.5(TSC1):c.3187T>C (p.Trp1063Arg)

Gene: TSC1 (TSC complex subunit 1; minus strand). Cytogenetic location: 9q34.13.
Variant type: single nucleotide variant.
Coding change: c.3187T>C on transcript NM_000368.5 (MANE Select); coding-DNA position 3187, T replaced by C.
Protein change: p.Trp1063Arg; replaces tryptophan 1063 with arginine.
Molecular consequence: missense variant.
Genome position (GRCh38, 1-based): chr9:132,896,543, A>G on the plus strand (T>C on the coding strand, the complement: TSC1 is on the minus strand). VCF-style: chr9-132896543-A-G. GRCh37 (hg19) VCF-style: chr9-135771930-A-G.
Other names: c.3184T>C, p.Trp1062Arg (NM_001162426.2); c.3034T>C, p.Trp1012Arg (NM_001162427.2); c.2824T>C, p.Trp942Arg (NM_001362177.2); short protein forms W1012R, W1062R, W1063R, W942R.
Identifiers: ClinVar variation 1006748 (VCV001006748.8), dbSNP rs1845063816, ClinGen allele CA375367098.

ClinVar aggregate classification (germline): Uncertain significance (1 of 4 stars; one submission).

Conditions:
Tuberous sclerosis 1 (TSC1). Identifiers: Orphanet 805, MedGen C1854465, MONDO:0008612, OMIM 191100.

Submission:

Labcorp Genetics (formerly Invitae), Labcorp
Classification: Uncertain significance for Tuberous sclerosis 1. Last evaluated: 2020-05-12. Review status: criteria provided, single submitter. Criteria: Invitae Variant Classification Sherloc (09022015). Collection method: clinical testing. Allele origin: germline.
Comment: This variant has not been reported in the literature in individuals with TSC1-related conditions. This variant is not present in population databases (ExAC no frequency). This sequence change replaces tryptophan with arginine at codon 1063 of the TSC1 protein (p.Trp1063Arg). The tryptophan residue is moderately conserved and there is a moderate physicochemical difference between tryptophan and arginine. In summary, the available evidence is currently insufficient to determine the role of this variant in disease. Therefore, it has been classified as a Variant of Uncertain Significance. Algorithms developed to predict the effect of missense changes on protein structure and function output the following: SIFT: "Tolerated"; PolyPhen-2: "Benign"; Align-GVGD: "Class C0". The arginine amino acid residue is found in multiple mammalian species, suggesting that this missense change does not adversely affect protein function. These predictions have not been confirmed by published functional studies and their clinical significance is uncertain.